The following is an entry in ClinVar:

ClinVar aggregate classification (germline): Conflicting classifications of pathogenicity. Review status: criteria provided, conflicting classifications (1 of 4 stars). 9 submissions from 9 submitters: Uncertain significance (3); Likely benign (4). 2 of the submissions do not count toward it. Last evaluated 2026-01-20.

Conditions:
ADAMTS2-related disorder. Also called: ADAMTS2-related condition.
Ehlers-Danlos syndrome (EDS). Identifiers: Orphanet 98249, MedGen C0013720, MONDO:0020066.
Ehlers-Danlos syndrome, dermatosparaxis type. Also called: Ehlers-Danlos syndrome, type VII, autosomal recessive; EDS VIIC; Dermatosparaxis. Identifiers: Orphanet 1901, MedGen C2700425, MONDO:0009161, OMIM 225410.

Allele frequency attached by ClinVar (database versions not stated): ExAC 0.00005; gnomAD exomes 0.00007 and 0.00021; TOPMed 0.00012; 1000 Genomes Project 30x 0.00016; 1000 Genomes Project 0.00020.
gnomAD v4.1: 345 of 1,613,890 alleles (0.021%); highest among the groups gnomAD compares: Non-Finnish European, 0.025%; no homozygotes.

Submissions (9):

Labcorp Genetics (formerly Invitae), Labcorp
Classification: Likely benign for Ehlers-Danlos syndrome, dermatosparaxis type. Last evaluated: 2026-01-20. Review status: criteria provided, single submitter. Criteria: Invitae Variant Classification Sherloc (09022015). Collection method: clinical testing. Allele origin: germline.

Women's Health and Genetics/Laboratory Corporation of America, LabCorp
Classification: Uncertain significance. Last evaluated: 2025-12-22. Review status: criteria provided, single submitter. Criteria: LabCorp Variant Classification Summary - May 2015. Collection method: clinical testing. Allele origin: germline.
Comment: Variant summary: ADAMTS2 c.2292C>T (p.Ala764Ala) alters a conserved nucleotide located close to a canonical splice site and therefore could affect mRNA splicing, leading to a significantly altered protein sequence. Consensus agreement among computation tools predict no significant impact on normal splicing. However, these predictions have yet to be confirmed by functional studies. The variant allele was found at a frequency of 7.2e-05 in 250998 control chromosomes. This frequency is not significantly higher than estimated for disease-causing variants in ADAMTS2, allowing no conclusion about variant significance. To our knowledge, no occurrence of c.2292C>T in individuals affected with ADAMTS2-related conditions and no experimental evidence demonstrating its impact on protein function have been reported. ClinVar contains an entry for this variant (Variation ID: 353106). Based on the evidence outlined above, the variant was classified as uncertain significance.

Mayo Clinic Laboratories, Mayo Clinic
Classification: Likely benign. Last evaluated: 2025-06-02. Review status: criteria provided, single submitter. Criteria: ACMG Guidelines, 2015. Collection method: clinical testing. Allele origin: germline. Observed: 3 variant alleles.
Comment: BP4, BP7

Blueprint Genetics
Classification: Likely benign. Last evaluated: 2024-10-09. Review status: criteria provided, single submitter. Criteria: ACMG Guidelines, 2015. Collection method: clinical testing. Allele origin: germline.

Genome Diagnostics Laboratory, The Hospital for Sick Children
Classification: Uncertain significance for Ehlers-Danlos syndrome. Last evaluated: 2020-12-21. Review status: criteria provided, single submitter. Criteria: ACMG Guidelines, 2015. Collection method: clinical testing. Allele origin: germline.

GeneDx
Classification: Likely benign. Last evaluated: 2020-12-17. Review status: criteria provided, single submitter. Criteria: GeneDx Variant Classification Process June 2021. Collection method: clinical testing. Allele origin: germline. Affected: yes.

Illumina Laboratory Services, Illumina
Classification: Uncertain significance for Ehlers-Danlos syndrome, dermatosparaxis type. Last evaluated: 2018-01-13. Review status: criteria provided, single submitter. Criteria: ICSL Variant Classification Criteria 13 December 2019. Collection method: clinical testing. Allele origin: germline.

Natera, Inc.
Classification: Likely benign for Ehlers-Danlos syndrome type VIIC. Last evaluated: 2020-09-16. Review status: no assertion criteria provided. Collection method: clinical testing. Allele origin: germline. Not counted in ClinVar's aggregate classification.

PreventionGenetics, part of Exact Sciences
Classification: Likely benign for ADAMTS2-related condition. Last evaluated: 2019-06-28. Review status: no assertion criteria provided. Collection method: clinical testing. Allele origin: germline. Not counted in ClinVar's aggregate classification.
Comment: This variant is classified as likely benign based on ACMG/AMP sequence variant interpretation guidelines (Richards et al. 2015 PMID: 25741868, with internal and published modifications).

NM_014244.5(ADAMTS2):c.2292C>T (p.Ala764=)

Gene: ADAMTS2 (ADAM metallopeptidase with thrombospondin type 1 motif 2; minus strand). Cytogenetic location: 5q35.3.
Variant type: single nucleotide variant.
Coding change: c.2292C>T on transcript NM_014244.5 (MANE Select); coding-DNA position 2292, C replaced by T.
Protein change: p.Ala764=; no amino-acid change (alanine 764 retained).
Molecular consequence: synonymous variant.
Genome position (GRCh38, 1-based): chr5:179,130,097, G>A on the plus strand (C>T on the coding strand, the complement: ADAMTS2 is on the minus strand). VCF-style: chr5-179130097-G-A. GRCh37 (hg19) VCF-style: chr5-178557098-G-A.
Other names: p.Ala764=.
Identifiers: ClinVar variation 353106 (VCV000353106.27), dbSNP rs188566209, ClinGen allele CA3595588.